The following is an entry in ClinVar:

ClinVar aggregate classification (germline): Benign/Likely benign. Review status: criteria provided, multiple submitters, no conflicts (2 of 4 stars). 7 submissions from 7 submitters: Benign (1); Likely benign (3). 3 of the submissions do not count toward it. Last evaluated 2026-01-12.

Conditions:
Multiple endocrine neoplasia, type 2 (MEN2). Identifiers: Orphanet 653, MedGen C4048306, MONDO:0019003. Disease mechanism: gain of function.
Multiple endocrine neoplasia type 2A. Also called: MULTIPLE ENDOCRINE NEOPLASIA, TYPE IIA; PTC SYNDROME; SIPPLE SYNDROME; MEN 2A; MEN-2A syndrome; Pheochromocytoma and amyloid producing medullary thyroid carcinoma. Identifiers: Orphanet 247698, Orphanet 653, MedGen C0025268, MeSH D018813, MONDO:0008234, OMIM 171400.
Hereditary cancer-predisposing syndrome. Also called: Neoplastic Syndromes, Hereditary; Tumor predisposition; Hereditary Cancer Syndrome; Hereditary neoplastic syndrome. Identifiers: Orphanet 140162, MedGen C0027672, MeSH D009386, MONDO:0015356.

Allele frequency attached by ClinVar (database versions not stated): gnomAD exomes 0.00002 and 0.00004; ExAC 0.00003; gnomAD 0.00003; TOPMed 0.00005.

Submissions (7):

Labcorp Genetics (formerly Invitae), Labcorp
Classification: Likely benign for Multiple endocrine neoplasia, type 2. Last evaluated: 2026-01-12. Review status: criteria provided, single submitter. Criteria: Invitae Variant Classification Sherloc (09022015). Collection method: clinical testing. Allele origin: germline.

Myriad Genetics, Inc.
Classification: Benign for Multiple endocrine neoplasia type 2A. Last evaluated: 2025-02-26. Review status: criteria provided, single submitter. Criteria: Myriad Autosomal Dominant, Autosomal Recessive and X-Linked Classification Criteria (2023). Collection method: clinical testing. Allele origin: unknown.
Comment: This variant is considered benign. This variant is a silent/synonymous amino acid change and it is not expected to impact splicing.

Color Diagnostics, LLC DBA Color Health
Classification: Likely benign for Multiple endocrine neoplasia, type 2. Last evaluated: 2022-09-29. Review status: criteria provided, single submitter. Criteria: ACMG Guidelines, 2015. Collection method: clinical testing. Allele origin: germline.

Ambry Genetics
Classification: Likely benign for Hereditary cancer-predisposing syndrome. Last evaluated: 2020-02-14. Review status: criteria provided, single submitter. Criteria: Ambry Variant Classification Scheme 2023. Collection method: clinical testing. Allele origin: germline.

Diagnostic Laboratory, Department of Genetics, University Medical Center Groningen
Classification: Likely benign. Review status: no assertion criteria provided. Collection method: clinical testing. Allele origin: germline. Affected: yes. Study: VKGL Data-share Consensus. Not counted in ClinVar's aggregate classification.

Genome Diagnostics Laboratory, University Medical Center Utrecht
Classification: Likely benign. Review status: no assertion criteria provided. Collection method: clinical testing. Allele origin: germline. Affected: yes. Study: VKGL Data-share Consensus. Not counted in ClinVar's aggregate classification.

Joint Genome Diagnostic Labs from Nijmegen and Maastricht, Radboudumc and MUMC+
Classification: Likely benign. Review status: no assertion criteria provided. Collection method: clinical testing. Allele origin: germline. Affected: yes. Study: VKGL Data-share Consensus. Not counted in ClinVar's aggregate classification.

NM_020975.6(RET):c.2331C>T (p.Asn777=)

Gene: RET (ret proto-oncogene; plus strand). Cytogenetic location: 10q11.21.
Variant type: single nucleotide variant.
Coding change: c.2331C>T on transcript NM_020975.6 (MANE Select); coding-DNA position 2331, C replaced by T.
Protein change: p.Asn777=; no amino-acid change (asparagine 777 retained).
Molecular consequence: synonymous variant.
Genome position (GRCh38, 1-based): chr10:43,118,419, C>T. VCF-style: chr10-43118419-C-T. GRCh37 (hg19) VCF-style: chr10-43613867-C-T.
Other names: c.2331C>T, p.Asn777= (NM_000323.2, NM_001406743.1, NM_001406744.1 and 4 more transcripts); c.1569C>T, p.Asn523= (NM_001355216.2); c.2202C>T, p.Asn734= (NM_001406761.1, NM_001406762.1, NM_001406764.1); c.2196C>T, p.Asn732= (NM_001406763.1, NM_001406765.1); c.2043C>T, p.Asn681= (NM_001406766.1, NM_001406767.1, NM_001406770.1); c.2067C>T, p.Asn689= (NM_001406768.1); c.1935C>T, p.Asn645= (NM_001406769.1, NM_001406772.1); c.1893C>T, p.Asn631= (NM_001406771.1, NM_001406773.1); and 10 more.
Identifiers: ClinVar variation 413454 (VCV000413454.22), dbSNP rs753977221, ClinGen allele CA038593.